The following is an entry in ClinVar:

ClinVar aggregate classification (germline): Uncertain significance. Review status: criteria provided, multiple submitters, no conflicts (2 of 4 stars). 3 submissions from 3 submitters: Uncertain significance (2). 1 of the submissions does not count toward it. Last evaluated 2022-06-20.

Conditions:
CFTR-related disorder (CFTR-RD). Also called: CFTR-related disorders; CFTR-related condition. Identifiers: MedGen C5924204, MONDO:7770004.
Cystic fibrosis (CF). Also called: MUCOVISCIDOSIS. Identifiers: Orphanet 586, MedGen C0010674, MONDO:0009061, OMIM 219700. Disease mechanism: loss of function.

Allele frequency attached by ClinVar (database versions not stated): TOPMed below 0.00001; gnomAD exomes below 0.00001; gnomAD 0.00001.
gnomAD v4.1: 3 of 1,613,310 alleles (0.00019%); highest among the groups gnomAD compares: Admixed American, 0.0017%; no homozygotes.

Submissions (3):

Labcorp Genetics (formerly Invitae), Labcorp
Classification: Uncertain significance for Cystic fibrosis. Last evaluated: 2022-06-20. Review status: criteria provided, single submitter. Criteria: Invitae Variant Classification Sherloc (09022015). Collection method: clinical testing. Allele origin: germline.
Comment: This sequence change replaces tyrosine, which is neutral and polar, with cysteine, which is neutral and slightly polar, at codon 515 of the CFTR protein (p.Tyr515Cys). This variant is not present in population databases (gnomAD no frequency). This variant has not been reported in the literature in individuals affected with CFTR-related conditions. ClinVar contains an entry for this variant (Variation ID: 495900). Algorithms developed to predict the effect of missense changes on protein structure and function are either unavailable or do not agree on the potential impact of this missense change (SIFT: "Deleterious"; PolyPhen-2: "Benign"; Align-GVGD: "Class C15"). In summary, the available evidence is currently insufficient to determine the role of this variant in disease. Therefore, it has been classified as a Variant of Uncertain Significance.

Women's Health and Genetics/Laboratory Corporation of America, LabCorp
Classification: Uncertain significance. Last evaluated: 2016-09-07. Review status: criteria provided, single submitter. Criteria: LabCorp Variant Classification Summary - May 2015. Collection method: clinical testing. Allele origin: germline.
Comment: Variant summary: The CFTR c.1544A>G (p.Tyr515Cys) variant involves the alteration of a conserved nucleotide. 5/5 in silico tools predict a damaging outcome for this variant. This variant is located in the ABC transporter-like domain and the P-loop containing nucleoside triphosphate hydrolase domain of the protein (InterPro). Structural/biochemical analysis indicate that Tyr515 residue is phosphorylated in vivo (PMID: 24178769). This variant is absent in 121248 control chromosomes. The variant of interest has not, to our knowledge, been reported in affected individuals via publications and/or reputable databases/clinical diagnostic laboratories, nor evaluated for functional impact by in vivo/vitro studies. Because of the absence of clinical information and the lack of functional studies, the variant is currently classified as a variant of uncertain significance (VUS) until additional information becomes available.

Natera, Inc.
Classification: Uncertain significance for CFTR-related disorders. Last evaluated: 2019-01-10. Review status: no assertion criteria provided. Collection method: clinical testing. Allele origin: germline. Not counted in ClinVar's aggregate classification.

NM_000492.4(CFTR):c.1544A>G (p.Tyr515Cys)

Genes: CFTR (CF transmembrane conductance regulator; plus strand), CFTR-AS1 (CFTR antisense RNA 1; minus strand). Cytogenetic location: 7q31.2.
Variant type: single nucleotide variant.
Coding change: c.1544A>G on transcript NM_000492.4 (MANE Select); coding-DNA position 1544, A replaced by G.
Protein change: p.Tyr515Cys; replaces tyrosine 515 with cysteine.
Molecular consequence: missense variant.
Genome position (GRCh38, 1-based): chr7:117,559,615, A>G. VCF-style: chr7-117559615-A-G. GRCh37 (hg19) VCF-style: chr7-117199669-A-G.
Other names: short protein forms Y515C.
Identifiers: ClinVar variation 495900 (VCV000495900.5), dbSNP rs1554384431, ClinGen allele CA368984834.